The following is an entry in ClinVar:

NM_005751.5(AKAP9):c.947T>C (p.Val316Ala)

Gene: AKAP9 (A-kinase anchoring protein 9; plus strand). Cytogenetic location: 7q21.2.
Variant type: single nucleotide variant.
Coding change: c.947T>C on transcript NM_005751.5 (MANE Select); coding-DNA position 947, T replaced by C.
Protein change: p.Val316Ala; replaces valine 316 with alanine.
Molecular consequence: missense variant.
Genome position (GRCh38, 1-based): chr7:92,000,864, T>C. VCF-style: chr7-92000864-T-C. GRCh37 (hg19) VCF-style: chr7-91630178-T-C.
Other names: c.947T>C, p.Val316Ala (NM_147185.3); short protein forms V316A.
Identifiers: ClinVar variation 2564476 (VCV002564476.2), dbSNP rs2484688451, ClinGen allele CA368120649.
Genomic context (GRCh38, chr7:92,000,864, plus strand): 5'-AAGCTAAAAATGCCATTCTTACATTTTCATTTTTTTTCCTAAAGGAACAAGATAAAAAAG[T>C]AGAAAACTCAAATAAAGAAGAAATACAGGAAAAGGAGACAATCATTGAAGAATTAAACAC-3'
Protein context (NP_005742.4, residues 306-326): KVYEMEQDKK[Val316Ala]ENSNKEEIQE

ClinVar aggregate classification (germline): Uncertain significance (1 of 4 stars; one submission).

Conditions:
Cardiovascular phenotype. Identifiers: MedGen CN230736.

Allele frequency attached by ClinVar (database versions not stated): gnomAD exomes below 0.00001.
gnomAD v4.1: 1 of 1,409,534 alleles (0.000071%); highest among the groups gnomAD compares: Non-Finnish European, 0.000095%; no homozygotes.

Submission:

Ambry Genetics
Classification: Uncertain significance for Cardiovascular phenotype. Last evaluated: 2023-05-01. Review status: criteria provided, single submitter. Criteria: Ambry Variant Classification Scheme 2023. Collection method: clinical testing. Allele origin: germline.
Comment: The p.V316A variant (also known as c.947T>C), located in coding exon 8 of the AKAP9 gene, results from a T to C substitution at nucleotide position 947. The valine at codon 316 is replaced by alanine, an amino acid with similar properties. This amino acid position is conserved. In addition, this alteration is predicted to be tolerated by in silico analysis. Since supporting evidence is limited at this time, the clinical significance of this alteration remains unclear.